The following is an entry in ClinVar:

NM_005359.6(SMAD4):c.1241T>G (p.Leu414Ter)

Gene: SMAD4 (SMAD family member 4; plus strand). Cytogenetic location: 18q21.2.
Variant type: single nucleotide variant.
Coding change: c.1241T>G on transcript NM_005359.6 (MANE Select); coding-DNA position 1241, T replaced by G.
Protein change: p.Leu414Ter; replaces leucine 414 with a stop codon.
Molecular consequence: nonsense. On other transcripts: non-coding transcript variant (1).
Genome position (GRCh38, 1-based): chr18:51,067,120, T>G. VCF-style: chr18-51067120-T-G. GRCh37 (hg19) VCF-style: chr18-48593490-T-G.
Other names: c.1241T>G, p.Leu414Ter (NM_001407041.1, NM_001407042.1); short protein forms L414*.
Identifiers: ClinVar variation 4727955 (VCV004727955.1).
Genomic context (GRCh38, chr18:51,067,120, plus strand): 5'-AAGGTGATGTTTGGGTCAGGTGCCTTAGTGACCACGCGGTCTTTGTACAGAGTTACTACT[T>G]AGACAGAGAAGCTGGGCGTGCACCTGGAGATGCTGTTCATAAGATCTACCCAAGTGCATA-3'

ClinVar aggregate classification (germline): Pathogenic (1 of 4 stars; one submission).

Conditions:
Juvenile polyposis syndrome (JPS). Identifiers: Orphanet 2929, MedGen C0345893, MONDO:0017380, OMIM 174900.

Submission:

Labcorp Genetics (formerly Invitae), Labcorp
Classification: Pathogenic for Juvenile polyposis syndrome. Last evaluated: 2025-09-27. Review status: criteria provided, single submitter. Criteria: Invitae Variant Classification Sherloc (09022015). Collection method: clinical testing. Allele origin: germline.
Comment: This sequence change creates a premature translational stop signal (p.Leu414*) in the SMAD4 gene. It is expected to result in an absent or disrupted protein product. Loss-of-function variants in SMAD4 are known to be pathogenic (PMID: 16152648, 16436638, 22810475). This variant is not present in population databases (gnomAD no frequency). This variant has not been reported in the literature in individuals affected with SMAD4-related conditions. For these reasons, this variant has been classified as Pathogenic.

Literature cited by the submitters: PubMed 16152648; PubMed 16436638; PubMed 22810475.